The following is an entry in ClinVar:

NM_001351132.2(PEX5):c.472C>T (p.Arg158Cys)

Gene: PEX5 (peroxisomal biogenesis factor 5; plus strand). Cytogenetic location: 12p13.31.
Variant type: single nucleotide variant.
Coding change: c.472C>T on transcript NM_001351132.2 (MANE Select); coding-DNA position 472, C replaced by T.
Protein change: p.Arg158Cys; replaces arginine 158 with cysteine.
Molecular consequence: missense variant.
Genome position (GRCh38, 1-based): chr12:7,199,034, C>T. VCF-style: chr12-7199034-C-T. GRCh37 (hg19) VCF-style: chr12-7351630-C-T.
Other names: c.472C>T, p.Arg158Cys (NM_000319.5, NM_001131024.2, NM_001131025.2 and 19 more transcripts); c.517C>T, p.Arg173Cys (NM_001131023.2, NM_001351135.3, NM_001351138.2); short protein forms R173C, R158C.
Identifiers: ClinVar variation 1037247 (VCV001037247.7), dbSNP rs747679909, ClinGen allele CA6426150.

ClinVar aggregate classification (germline): Uncertain significance. Review status: criteria provided, multiple submitters, no conflicts (2 of 4 stars). 2 submissions from 2 submitters: Uncertain significance (2). Last evaluated 2025-12-16.

Conditions:
Peroxisome biogenesis disorder 2B (PBD2B). Identifiers: Orphanet 44, MedGen C3550234, MONDO:0008736, OMIM 202370.

Allele frequency attached by ClinVar (database versions not stated): gnomAD exomes 0.00003 and 0.00007; gnomAD 0.00008; ExAC 0.00010; TOPMed 0.00011; 1000 Genomes Project 0.00040; 1000 Genomes Project 30x 0.00047.
gnomAD v4.1: 59 of 1,606,586 alleles (0.0037%); highest among the groups gnomAD compares: African/African-American, 0.019%; 2 homozygotes.

Submissions (2):

Labcorp Genetics (formerly Invitae), Labcorp
Classification: Uncertain significance for Peroxisome biogenesis disorder 2B. Last evaluated: 2025-12-16. Review status: criteria provided, single submitter. Criteria: Invitae Variant Classification Sherloc (09022015). Collection method: clinical testing. Allele origin: germline.
Comment: This sequence change replaces arginine, which is basic and polar, with cysteine, which is neutral and slightly polar, at codon 158 of the PEX5 protein (p.Arg158Cys). This variant is present in population databases (rs747679909, gnomAD 0.05%). This variant has not been reported in the literature in individuals affected with PEX5-related conditions. ClinVar contains an entry for this variant (Variation ID: 1037247). Invitae Evidence Modeling of protein sequence and biophysical properties (such as structural, functional, and spatial information, amino acid conservation, physicochemical variation, residue mobility, and thermodynamic stability) indicates that this missense variant is expected to disrupt PEX5 protein function with a positive predictive value of 80%. In summary, the available evidence is currently insufficient to determine the role of this variant in disease. Therefore, it has been classified as a Variant of Uncertain Significance.

Blueprint Genetics
Classification: Uncertain significance. Last evaluated: 2022-08-29. Review status: criteria provided, single submitter. Criteria: ACMG Guidelines, 2015. Collection method: clinical testing. Allele origin: germline.